The following is an entry in ClinVar:

NM_001040272.6(ADAMTSL1):c.508G>A (p.Val170Ile)

Gene: ADAMTSL1 (ADAMTS like 1; plus strand). Cytogenetic location: 9p22.1.
Variant type: single nucleotide variant.
Coding change: c.508G>A on transcript NM_001040272.6 (MANE Select); coding-DNA position 508, G replaced by A.
Protein change: p.Val170Ile; replaces valine 170 with isoleucine.
Molecular consequence: missense variant.
Genome position (GRCh38, 1-based): chr9:18,622,276, G>A. VCF-style: chr9-18622276-G-A. GRCh37 (hg19) VCF-style: chr9-18622274-G-A.
Other names: c.508G>A, p.Val170Ile (NM_052866.5); short protein forms V170I.
Identifiers: ClinVar variation 3042672 (VCV003042672.2), dbSNP rs146511703, ClinGen allele CA4998692.

ClinVar aggregate classification (germline): Likely benign (0 of 4 stars; one submission).

Conditions:
ADAMTSL1-related disorder. Also called: ADAMTSL1-related condition.

Allele frequency attached by ClinVar (database versions not stated): 1000 Genomes Project 30x 0.00187; ESP Exome Variant Server 0.00192; TOPMed 0.00204; gnomAD 0.00219; 1000 Genomes Project 0.00220; gnomAD exomes 0.00244; ExAC 0.00294.
gnomAD v4.1: 3,886 of 1,613,976 alleles (0.24%); highest among the groups gnomAD compares: Middle Eastern, 1.2%; 10 homozygotes.

Submission:

PreventionGenetics, part of Exact Sciences
Classification: Likely benign for ADAMTSL1-related condition. Last evaluated: 2022-05-25. Review status: no assertion criteria provided. Collection method: clinical testing. Allele origin: germline.
Comment: This variant is classified as likely benign based on ACMG/AMP sequence variant interpretation guidelines (Richards et al. 2015 PMID: 25741868, with internal and published modifications).